The following is an entry in ClinVar:

ClinVar aggregate classification (germline): Likely benign. Review status: criteria provided, multiple submitters, no conflicts (2 of 4 stars). 2 submissions from 2 submitters: Likely benign (2). Last evaluated 2025-11-27.

Conditions:
Hypertrophic cardiomyopathy. Also called: HYPERTROPHIC MYOCARDIOPATHY. Identifiers: Orphanet 217569, MedGen C0007194, MeSH D002312, MONDO:0005045, HP:0001639.

Allele frequency attached by ClinVar (database versions not stated): ExAC 0.00004; gnomAD 0.00005 and 0.00006; TOPMed 0.00008; ESP Exome Variant Server 0.00015; gnomAD exomes 0.00002 and 0.00003.
gnomAD v4.1: 36 of 1,613,784 alleles (0.0022%); highest among the groups gnomAD compares: African/African-American, 0.033%; no homozygotes.

Submissions (2):

Labcorp Genetics (formerly Invitae), Labcorp
Classification: Likely benign for Hypertrophic cardiomyopathy. Last evaluated: 2025-11-27. Review status: criteria provided, single submitter. Criteria: Invitae Variant Classification Sherloc (09022015). Collection method: clinical testing. Allele origin: germline.

GeneDx
Classification: Likely benign. Last evaluated: 2015-11-12. Review status: criteria provided, single submitter. Criteria: GeneDx Variant Classification (06012015). Collection method: clinical testing. Allele origin: germline. Affected: yes.
Comment: This variant is considered likely benign or benign based on one or more of the following criteria: it is a conservative change, it occurs at a poorly conserved position in the protein, it is predicted to be benign by multiple in silico algorithms, and/or has population frequency not consistent with disease.

NM_001018005.2(TPM1):c.563+7G>A

Gene: TPM1 (tropomyosin 1; plus strand). Cytogenetic location: 15q22.2.
Variant type: single nucleotide variant.
Coding change: c.563+7G>A on transcript NM_001018005.2 (MANE Select); 7 bases into the intron after coding-DNA position 563, G replaced by A.
Molecular consequence: intron variant.
Genome position (GRCh38, 1-based): chr15:63,060,946, G>A. VCF-style: chr15-63060946-G-A. GRCh37 (hg19) VCF-style: chr15-63353145-G-A.
Other names: c.689+7G>A (NM_001365778.1); c.563+7G>A (NM_001018020.2, NM_001018007.2, NM_001018006.2 and 6 more transcripts); c.455+7G>A (NM_001330351.2, NM_001330344.2, NM_001018008.2 and 5 more transcripts).
Identifiers: ClinVar variation 378749 (VCV000378749.11), dbSNP rs374563216, ClinGen allele CA030634.